The following is an entry in ClinVar:

ClinVar aggregate classification (germline): Uncertain significance (1 of 4 stars; one submission).

Conditions:
Pyruvate dehydrogenase E3 deficiency (DLDD). Also called: Dihydrolipoamide Dehydrogenase (E3) Deficiency; Lipoamide dehydrogenase deficiency, lactic acidosis due to; Dihydrolipoamide Dehydrogenase E3 Deficiency; Dihydrolipoamide Dehydrogenase Deficiency; Lipoamide dehydrogenase deficiency; MAPLE SYRUP URINE DISEASE, TYPE III. Identifiers: Orphanet 2394, Orphanet 765, MedGen C5574660, MONDO:0009529, OMIM 246900.

gnomAD v4.1: 13 of 1,613,548 alleles (0.00081%); highest among the groups gnomAD compares: East Asian, 0.0045%; no homozygotes.

Submission:

Labcorp Genetics (formerly Invitae), Labcorp
Classification: Uncertain significance for Pyruvate dehydrogenase E3 deficiency. Last evaluated: 2021-08-03. Review status: criteria provided, single submitter. Criteria: Invitae Variant Classification Sherloc (09022015). Collection method: clinical testing. Allele origin: germline.
Comment: This variant has not been reported in the literature in individuals with DLD-related conditions. This variant is not present in population databases (ExAC no frequency). This sequence change replaces leucine with phenylalanine at codon 27 of the DLD protein (p.Leu27Phe). The leucine residue is weakly conserved and there is a small physicochemical difference between leucine and phenylalanine. Algorithms developed to predict the effect of missense changes on protein structure and function (SIFT, PolyPhen-2, Align-GVGD) all suggest that this variant is likely to be tolerated, but these predictions have not been confirmed by published functional studies and their clinical significance is uncertain. In summary, the available evidence is currently insufficient to determine the role of this variant in disease. Therefore, it has been classified as a Variant of Uncertain Significance.

NM_000108.5(DLD):c.79C>T (p.Leu27Phe)

Gene: DLD (dihydrolipoamide dehydrogenase; plus strand). Cytogenetic location: 7q31.1.
Variant type: single nucleotide variant.
Coding change: c.79C>T on transcript NM_000108.5 (MANE Select); coding-DNA position 79, C replaced by T.
Protein change: p.Leu27Phe; replaces leucine 27 with phenylalanine.
Molecular consequence: missense variant. On other transcripts: 5 prime UTR variant (1).
Genome position (GRCh38, 1-based): chr7:107,893,239, C>T. VCF-style: chr7-107893239-C-T. GRCh37 (hg19) VCF-style: chr7-107533684-C-T.
Other names: c.-70C>T (NM_001289750.1); c.79C>T, p.Leu27Phe (NM_001289751.1, NM_001289752.1); short protein forms L27F.
Identifiers: ClinVar variation 1501609 (VCV001501609.8), dbSNP rs2116162795, ClinGen allele CA368852991.